The following is an entry in ClinVar:

NM_000237.3(LPL):c.687T>C (p.His229=)

Gene: LPL (lipoprotein lipase; plus strand). Cytogenetic location: 8p21.3.
Variant type: single nucleotide variant.
Coding change: c.687T>C on transcript NM_000237.3 (MANE Select); coding-DNA position 687, T replaced by C.
Protein change: p.His229=; no amino-acid change (histidine 229 retained).
Molecular consequence: synonymous variant.
Genome position (GRCh38, 1-based): chr8:19,954,265, T>C. VCF-style: chr8-19954265-T-C. GRCh37 (hg19) VCF-style: chr8-19811776-T-C.
Identifiers: ClinVar variation 742198 (VCV000742198.26), dbSNP rs45607438, ClinGen allele CA4655494.

ClinVar aggregate classification (germline): Conflicting classifications of pathogenicity. Review status: criteria provided, conflicting classifications (1 of 4 stars). 8 submissions from 8 submitters: Uncertain significance (1); Likely benign (5). 2 of the submissions do not count toward it. Last evaluated 2026-01-19.

Conditions:
LPL-related disorder. Also called: LPL-related condition.
Cardiovascular phenotype. Identifiers: MedGen CN230736.
Hyperlipoproteinemia, type I. Also called: Lipase D deficiency; Familial Lipoprotein Lipase Deficiency; Familial hyperlipo-proteinemia type 1; Hyperlipemia essential familial; Hyperlipoproteinemia type 1; Hyperchylomicro-nemia familial. Identifiers: Orphanet 309015, Orphanet 444490, MedGen C0023817, MONDO:0009387, OMIM 238600. Disease mechanism: loss of function.

Allele frequency attached by ClinVar (database versions not stated): ESP Exome Variant Server 0.00008; TOPMed 0.00019; 1000 Genomes Project 0.00020; gnomAD 0.00021 and 0.00022; gnomAD exomes 0.00025; 1000 Genomes Project 30x 0.00031; ExAC 0.00031.
gnomAD v4.1: 365 of 1,614,174 alleles (0.023%); highest among the groups gnomAD compares: Non-Finnish European, 0.023%; 2 homozygotes.

Submissions (8):

Labcorp Genetics (formerly Invitae), Labcorp
Classification: Likely benign. Last evaluated: 2026-01-19. Review status: criteria provided, single submitter. Criteria: Invitae Variant Classification Sherloc (09022015). Collection method: clinical testing. Allele origin: germline.

Blueprint Genetics
Classification: Likely benign. Last evaluated: 2024-11-21. Review status: criteria provided, single submitter. Criteria: ACMG Guidelines, 2015. Collection method: clinical testing. Allele origin: germline.

Women's Health and Genetics/Laboratory Corporation of America, LabCorp
Classification: Likely benign. Last evaluated: 2023-08-06. Review status: criteria provided, single submitter. Criteria: LabCorp Variant Classification Summary - May 2015. Collection method: clinical testing. Allele origin: germline.

Ambry Genetics
Classification: Likely benign for Cardiovascular phenotype. Last evaluated: 2022-04-19. Review status: criteria provided, single submitter. Criteria: Ambry Variant Classification Scheme 2023. Collection method: clinical testing. Allele origin: germline.

GeneDx
Classification: Likely benign. Last evaluated: 2020-01-30. Review status: criteria provided, single submitter. Criteria: GeneDx Variant Classification Process June 2021. Collection method: clinical testing. Allele origin: germline. Affected: yes.

Illumina Laboratory Services, Illumina
Classification: Uncertain significance for Hyperlipoproteinemia, type I. Last evaluated: 2017-04-27. Review status: criteria provided, single submitter. Criteria: ICSL Variant Classification Criteria 13 December 2019. Collection method: clinical testing. Allele origin: germline.
Comment: This variant was observed as part of a predisposition screen in an ostensibly healthy population. A literature search was performed for the gene, cDNA change, and amino acid change (where applicable). Publications were found based on this search. However, the evidence from the literature, in combination with allele frequency data from public databases where available, was not sufficient to rule this variant in or out of causing disease. Therefore, this variant is classified as a variant of unknown significance.

Natera, Inc.
Classification: Likely benign for Lipoprotein lipase deficiency. Last evaluated: 2020-01-18. Review status: no assertion criteria provided. Collection method: clinical testing. Allele origin: germline. Not counted in ClinVar's aggregate classification.

PreventionGenetics, part of Exact Sciences
Classification: Likely benign for LPL-related condition. Last evaluated: 2019-06-06. Review status: no assertion criteria provided. Collection method: clinical testing. Allele origin: germline. Not counted in ClinVar's aggregate classification.
Comment: This variant is classified as likely benign based on ACMG/AMP sequence variant interpretation guidelines (Richards et al. 2015 PMID: 25741868, with internal and published modifications).

Literature cited by the submitters: PubMed 21159338 (cited by Illumina Laboratory Services, Illumina).